The following is an entry in ClinVar:

ClinVar aggregate classification (germline): Uncertain significance (1 of 4 stars; one submission).

Conditions:
ABCB11-related disorder. Also called: ABCB11-related condition.

Allele frequency attached by ClinVar (database versions not stated): TOPMed below 0.00001; gnomAD 0.00001.
gnomAD v4.1: 9 of 1,613,832 alleles (0.00056%); highest among the groups gnomAD compares: Admixed American, 0.01%; no homozygotes.

Submission:

PreventionGenetics, part of Exact Sciences
Classification: Uncertain significance for ABCB11-related condition. Last evaluated: 2026-02-19. Review status: criteria provided, single submitter. Criteria: ACMG Guidelines, 2015. Collection method: clinical testing. Allele origin: germline.
Comment: The ABCB11 c.2672T>A variant is predicted to result in the amino acid substitution p.Ile891Asn. To our knowledge, this variant has not been reported in the literature. This variant is reported in 5 alleles out of 249216 total alleles in gnomAD. At this time, the clinical significance of this variant is uncertain due to the absence of conclusive functional and genetic evidence.

NM_003742.4(ABCB11):c.2672T>A (p.Ile891Asn)

Genes: ABCB11 (ATP binding cassette subfamily B member 11; minus strand), LOC126806400 (CDK7 strongly-dependent group 2 enhancer GRCh37_chr2:169791870-169793069; plus strand). Cytogenetic location: 2q31.1.
Variant type: single nucleotide variant.
Coding change: c.2672T>A on transcript NM_003742.4 (MANE Select); coding-DNA position 2672, T replaced by A.
Protein change: p.Ile891Asn; replaces isoleucine 891 with asparagine.
Molecular consequence: missense variant.
Genome position (GRCh38, 1-based): chr2:168,936,372, A>T on the plus strand (T>A on the coding strand, the complement: ABCB11 is on the minus strand). VCF-style: chr2-168936372-A-T. GRCh37 (hg19) VCF-style: chr2-169792882-A-T.
Other names: short protein forms I891N.
Identifiers: ClinVar variation 3036251 (VCV003036251.3), dbSNP rs755093559, ClinGen allele CA1951210.
Genomic context (GRCh38, chr2:168,936,372, plus strand): 5'-AAGAAGGGGAAGAAGCACAAGATGACCAGGCTCAGCTTCCAGCTAAAGGAGAAGGCAATG[A>T]TCATGGCCACAGTGACGTTAGTGAAGGAATTGACTATCATCCCGATCTGAGAGCCGGCAG-3'
Protein context (NP_003733.2, residues 881-901): NSFTNVTVAM[Ile891Asn]IAFSFSWKLS